The following is an entry in ClinVar:

ClinVar aggregate classification (germline): Likely benign. Review status: criteria provided, multiple submitters, no conflicts (2 of 4 stars). 3 submissions from 3 submitters: Likely benign (3). Last evaluated 2026-01-18.

Conditions:
Developmental and epileptic encephalopathy, 14 (DEE14). Also called: Early infantile epileptic encephalopathy 14. Identifiers: Orphanet 293181, MedGen C3554195, MONDO:0013989, OMIM 614959.
Autosomal dominant nocturnal frontal lobe epilepsy 5. Also called: KCNT1-Related Epilepsy; CILIARY DYSKINESIA, PRIMARY, 28, WITHOUT SITUS INVERSUS; CILIARY DYSKINESIA, PRIMARY, 28, WITH SITUS INVERSUS; Epilepsy, nocturnal frontal lobe, 5. Identifiers: Orphanet 98784, MedGen C3554306, MONDO:0014002, OMIM 615005.

Allele frequency attached by ClinVar (database versions not stated): TOPMed 0.00001; gnomAD exomes 0.00002; ExAC 0.00005.
gnomAD v4.1: 27 of 1,557,312 alleles (0.0017%); highest among the groups gnomAD compares: South Asian, 0.0024%; no homozygotes.

Submissions (3):

Labcorp Genetics (formerly Invitae), Labcorp
Classification: Likely benign for Autosomal dominant nocturnal frontal lobe epilepsy 5; Developmental and epileptic encephalopathy, 14. Last evaluated: 2026-01-18. Review status: criteria provided, single submitter. Criteria: Invitae Variant Classification Sherloc (09022015). Collection method: clinical testing. Allele origin: germline.

Blueprint Genetics
Classification: Likely benign. Last evaluated: 2022-08-12. Review status: criteria provided, single submitter. Criteria: ACMG Guidelines, 2015. Collection method: clinical testing. Allele origin: germline.

GeneDx
Classification: Likely benign. Last evaluated: 2016-10-21. Review status: criteria provided, single submitter. Criteria: GeneDx Variant Classification (06012015). Collection method: clinical testing. Allele origin: germline. Affected: yes.
Comment: This variant is considered likely benign or benign based on one or more of the following criteria: it is a conservative change, it occurs at a poorly conserved position in the protein, it is predicted to be benign by multiple in silico algorithms, and/or has population frequency not consistent with disease.

NM_020822.3(KCNT1):c.1554G>A (p.Ala518=)

Gene: KCNT1 (potassium sodium-activated channel subfamily T member 1; plus strand). Cytogenetic location: 9q34.3.
Variant type: single nucleotide variant.
Coding change: c.1554G>A on transcript NM_020822.3 (MANE Select); coding-DNA position 1554, G replaced by A.
Protein change: p.Ala518=; no amino-acid change (alanine 518 retained).
Molecular consequence: synonymous variant.
Genome position (GRCh38, 1-based): chr9:135,769,990, G>A. VCF-style: chr9-135769990-G-A. GRCh37 (hg19) VCF-style: chr9-138661836-G-A.
Other names: c.1419G>A, p.Ala473= (NM_001272003.2).
Identifiers: ClinVar variation 390166 (VCV000390166.7), dbSNP rs756721305, ClinGen allele CA5326964.